The following is an entry in ClinVar:

NM_001258392.3(CLPB):c.763C>A (p.Leu255Met)

Gene: CLPB (ClpB family mitochondrial disaggregase; minus strand). Cytogenetic location: 11q13.4.
Variant type: single nucleotide variant.
Coding change: c.763C>A on transcript NM_001258392.3 (MANE Select); coding-DNA position 763, C replaced by A.
Protein change: p.Leu255Met; replaces leucine 255 with methionine.
Molecular consequence: missense variant.
Genome position (GRCh38, 1-based): chr11:72,358,892, G>T on the plus strand (C>A on the coding strand, the complement: CLPB is on the minus strand). VCF-style: chr11-72358892-G-T. GRCh37 (hg19) VCF-style: chr11-72069936-G-T.
Other names: c.676C>A, p.Leu226Met (NM_001258393.3); c.718C>A, p.Leu240Met (NM_001258394.3); c.853C>A, p.Leu285Met (NM_030813.6); short protein forms L285M, L240M, L226M, L255M.
Identifiers: ClinVar variation 4694972 (VCV004694972.1).
Genomic context (GRCh38, chr11:72,358,892, plus strand): 5'-CCCTCTTCCACTTCCCCCACCCCACCCCTCCTCCACCTCTGCTCTCACCTCCATCAAGCA[G>T]CTCCTTGACAGTGCGGTAGTCATCAGCAAGAACAGCATAGTGCAAGGCCGTGCAGCCCTT-3'
Protein context (NP_001245321.1, residues 245-265): LADDYRTVKE[Leu255Met]LDGGANPLQR

ClinVar aggregate classification (germline): Uncertain significance (1 of 4 stars; one submission).

Conditions:
3-methylglutaconic aciduria, type VIIB (MGCA7B). Also called: CLPB Deficiency; 3-methylglutaconic aciduria, type VII, with cataracts, neurologic involvement and neutropenia; 3-methylglutaconic aciduria with cataracts, neurologic involvement and neutropenia. Identifiers: Orphanet 445038, MedGen C5676893, MONDO:0014561, OMIM 616271.

gnomAD v4.1: 16 of 1,476,182 alleles (0.0011%); highest among the groups gnomAD compares: Non-Finnish European, 0.0015%; no homozygotes.

Submission:

Labcorp Genetics (formerly Invitae), Labcorp
Classification: Uncertain significance for 3-methylglutaconic aciduria, type VIIB. Last evaluated: 2025-04-06. Review status: criteria provided, single submitter. Criteria: Invitae Variant Classification Sherloc (09022015). Collection method: clinical testing. Allele origin: germline.
Comment: This sequence change replaces leucine, which is neutral and non-polar, with methionine, which is neutral and non-polar, at codon 285 of the CLPB protein (p.Leu285Met). This variant is not present in population databases (gnomAD no frequency). This variant has not been reported in the literature in individuals affected with CLPB-related conditions. An algorithm developed to predict the effect of missense changes on protein structure and function (PolyPhen-2) suggests that this variant is likely to be disruptive. In summary, the available evidence is currently insufficient to determine the role of this variant in disease. Therefore, it has been classified as a Variant of Uncertain Significance.